The following is an entry in ClinVar:

ClinVar aggregate classification (germline): Likely pathogenic (1 of 4 stars; one submission).

Submission:

Labcorp Genetics (formerly Invitae), Labcorp
Classification: Likely pathogenic. Last evaluated: 2023-08-29. Review status: criteria provided, single submitter. Criteria: Invitae Variant Classification Sherloc (09022015). Collection method: clinical testing. Allele origin: germline.
Comment: This sequence change replaces glycine, which is neutral and non-polar, with tryptophan, which is neutral and slightly polar, at codon 402 of the TMPRSS3 protein (p.Gly402Trp). This variant is not present in population databases (gnomAD no frequency). This variant has not been reported in the literature in individuals affected with TMPRSS3-related conditions. Advanced modeling of protein sequence and biophysical properties (such as structural, functional, and spatial information, amino acid conservation, physicochemical variation, residue mobility, and thermodynamic stability) performed at Invitae indicates that this missense variant is expected to disrupt TMPRSS3 protein function. This variant disrupts the p.Gly402 amino acid residue in TMPRSS3. Other variant(s) that disrupt this residue have been determined to be pathogenic (PMID: 28695016). This suggests that this residue is clinically significant, and that variants that disrupt this residue are likely to be disease-causing. In summary, the currently available evidence indicates that the variant is pathogenic, but additional data are needed to prove that conclusively. Therefore, this variant has been classified as Likely Pathogenic.

Literature cited by the submitters: PubMed 28695016.

NM_001256317.3(TMPRSS3):c.1201G>T (p.Gly401Trp)

Gene: TMPRSS3 (transmembrane serine protease 3; minus strand). Cytogenetic location: 21q22.3.
Variant type: single nucleotide variant.
Coding change: c.1201G>T on transcript NM_001256317.3 (MANE Select); coding-DNA position 1201, G replaced by T.
Protein change: p.Gly401Trp; replaces glycine 401 with tryptophan.
Molecular consequence: missense variant.
Genome position (GRCh38, 1-based): chr21:42,375,859, C>A on the plus strand (G>T on the coding strand, the complement: TMPRSS3 is on the minus strand). VCF-style: chr21-42375859-C-A. GRCh37 (hg19) VCF-style: chr21-43795968-C-A.
Other names: c.1204G>T, p.Gly402Trp (NM_024022.4); c.823G>T, p.Gly275Trp (NM_032404.3); short protein forms G275W, G402W, G401W.
Identifiers: ClinVar variation 2755968 (VCV002755968.3), dbSNP rs1374533426, ClinGen allele CA410369031.